The following is an entry in ClinVar:

ClinVar aggregate classification (germline): Uncertain significance. Review status: criteria provided, multiple submitters, no conflicts (2 of 4 stars). 2 submissions from 2 submitters: Uncertain significance (2). Last evaluated 2024-06-03.

Conditions:
Nephronophthisis 15 (NPHP15). Identifiers: Orphanet 3156, MedGen C3541853, MONDO:0013917, OMIM 614845.

Allele frequency attached by ClinVar (database versions not stated): ExAC 0.00001; gnomAD exomes 0.00002 and 0.00003; gnomAD 0.00003; TOPMed 0.00003.
gnomAD v4.1: 30 of 1,614,000 alleles (0.0019%); highest among the groups gnomAD compares: South Asian, 0.016%; no homozygotes.

Submissions (2):

Labcorp Genetics (formerly Invitae), Labcorp
Classification: Uncertain significance for Nephronophthisis 15. Last evaluated: 2024-06-03. Review status: criteria provided, single submitter. Criteria: Invitae Variant Classification Sherloc (09022015). Collection method: clinical testing. Allele origin: germline.
Comment: This sequence change replaces arginine, which is basic and polar, with cysteine, which is neutral and slightly polar, at codon 416 of the CEP164 protein (p.Arg416Cys). This variant is present in population databases (rs766713516, gnomAD 0.02%). This variant has not been reported in the literature in individuals affected with CEP164-related conditions. ClinVar contains an entry for this variant (Variation ID: 1062371). An algorithm developed to predict the effect of missense changes on protein structure and function (PolyPhen-2) suggests that this variant¬†is likely to be tolerated. In summary, the available evidence is currently insufficient to determine the role of this variant in disease. Therefore, it has been classified as a Variant of Uncertain Significance.

Fulgent Genetics
Classification: Uncertain significance for Nephronophthisis 15. Last evaluated: 2024-04-13. Review status: criteria provided, single submitter. Criteria: ACMG Guidelines, 2015. Collection method: clinical testing. Allele origin: germline.

NM_014956.5(CEP164):c.1246C>T (p.Arg416Cys)

Gene: CEP164 (centrosomal protein 164; plus strand). Cytogenetic location: 11q23.3.
Variant type: single nucleotide variant.
Coding change: c.1246C>T on transcript NM_014956.5 (MANE Select); coding-DNA position 1246, C replaced by T.
Protein change: p.Arg416Cys; replaces arginine 416 with cysteine.
Molecular consequence: missense variant.
Genome position (GRCh38, 1-based): chr11:117,375,720, C>T. VCF-style: chr11-117375720-C-T. GRCh37 (hg19) VCF-style: chr11-117246436-C-T.
Other names: c.1246C>T, p.Arg416Cys (NM_001271933.2); short protein forms R416C.
Identifiers: ClinVar variation 1062371 (VCV001062371.6), dbSNP rs766713516, ClinGen allele CA6294693.